The following is an entry in ClinVar:

NM_006031.6(PCNT):c.2899A>G (p.Ser967Gly)

Gene: PCNT (pericentrin; plus strand). Cytogenetic location: 21q22.3.
Variant type: single nucleotide variant.
Coding change: c.2899A>G on transcript NM_006031.6 (MANE Select); coding-DNA position 2899, A replaced by G.
Protein change: p.Ser967Gly; replaces serine 967 with glycine.
Molecular consequence: missense variant.
Genome position (GRCh38, 1-based): chr21:46,366,873, A>G. VCF-style: chr21-46366873-A-G. GRCh37 (hg19) VCF-style: chr21-47786788-A-G.
Other names: c.2545A>G, p.Ser849Gly (NM_001315529.2); short protein forms S967G, S849G.
Identifiers: ClinVar variation 436187 (VCV000436187.12), dbSNP rs145451194, ClinGen allele CA10079127.

ClinVar aggregate classification (germline): Uncertain significance. Review status: criteria provided, multiple submitters, no conflicts (2 of 4 stars). 3 submissions from 3 submitters: Uncertain significance (2). 1 of the submissions does not count toward it. Last evaluated 2021-09-01.

Conditions:
PCNT-related disorder. Also called: PCNT-related condition.

Allele frequency attached by ClinVar (database versions not stated): gnomAD exomes 0.00001 and 0.00004; gnomAD 0.00002 and 0.00003; TOPMed 0.00003; ExAC 0.00004; ESP Exome Variant Server 0.00015; 1000 Genomes Project 0.00020; 1000 Genomes Project 30x 0.00047.
gnomAD v4.1: 31 of 1,614,178 alleles (0.0019%); highest among the groups gnomAD compares: Middle Eastern, 0.016%; no homozygotes.

Submissions (3):

Labcorp Genetics (formerly Invitae), Labcorp
Classification: Uncertain significance. Last evaluated: 2021-09-01. Review status: criteria provided, single submitter. Criteria: Invitae Variant Classification Sherloc (09022015). Collection method: clinical testing. Allele origin: germline.
Comment: This sequence change replaces serine with glycine at codon 967 of the PCNT protein (p.Ser967Gly). The serine residue is weakly conserved and there is a small physicochemical difference between serine and glycine. This variant is present in population databases (rs145451194, ExAC 0.009%). This variant has not been reported in the literature in individuals affected with PCNT-related conditions. ClinVar contains an entry for this variant (Variation ID: 436187). Algorithms developed to predict the effect of missense changes on protein structure and function are either unavailable or do not agree on the potential impact of this missense change (SIFT: "Tolerated"; PolyPhen-2: "Possibly Damaging"; Align-GVGD: "Class C0"). In summary, the available evidence is currently insufficient to determine the role of this variant in disease. Therefore, it has been classified as a Variant of Uncertain Significance.

Genetic Services Laboratory, University of Chicago
Classification: Uncertain significance. Last evaluated: 2016-08-26. Review status: criteria provided, single submitter. Criteria: ACMG Guidelines, 2015. Collection method: clinical testing. Allele origin: germline. Affected: no.

PreventionGenetics, part of Exact Sciences
Classification: Uncertain significance for PCNT-related condition. Last evaluated: 2024-04-09. Review status: no assertion criteria provided. Collection method: clinical testing. Allele origin: germline. Not counted in ClinVar's aggregate classification.
Comment: The PCNT c.2899A>G variant is predicted to result in the amino acid substitution p.Ser967Gly. To our knowledge, this variant has not been reported in the literature. This variant is reported in 0.020% of alleles in individuals of Ashkenazi Jewish descent in gnomAD. At this time, the clinical significance of this variant is uncertain due to the absence of conclusive functional and genetic evidence.